The following is an entry in ClinVar:

ClinVar aggregate classification (germline): Likely pathogenic (0 of 4 stars; one submission).

Conditions:
Neuronal ceroid lipofuscinosis 3 (CLN3). Identifiers: Orphanet 228346, MedGen C0751383, MONDO:0008767, OMIM 204200.

Submission:

Juha Muilu Group; Institute for Molecular Medicine Finland (FIMM)
Classification: Likely pathogenic for Juvenile neuronal ceroid lipofuscinosis. Review status: no assertion criteria provided. Collection method: not provided. Allele origin: unknown.
Comment: FinDis database variant: This variant was not found or characterized by our laboratory, data were collected from public sources: see reference
ClinVar note: Converted during submission from probable-pathogenic to Likely pathogenic.

NM_001042432.2(CLN3):c.586dup (p.Ala196fs)

Gene: CLN3 (CLN3 lysosomal/endosomal transmembrane protein, battenin; minus strand). Cytogenetic location: 16p12.1.
Variant type: Duplication.
Coding change: c.586dup on transcript NM_001042432.2 (MANE Select); coding-DNA position 586, one base duplicated (G; older notation c.586dupG).
Protein change: p.Ala196fs; shifts the reading frame from alanine 196.
Molecular consequence: frameshift variant.
Genome position (GRCh38, 1-based): chr16:28,486,438, C duplicated on the plus strand (G on the coding strand, the reverse complement: CLN3 is on the minus strand); the first of 5 consecutive C bases (chr16:28,486,438-28,486,442); duplicating any one gives the same sequence. VCF-style (leftmost placement, unchanged base first): chr16-28486437-G-GC. GRCh37 (hg19) VCF-style: chr16-28497758-G-GC.
Other names: c.586dup, p.Ala196fs (NM_000086.2); c.514dup, p.Ala172fs (NM_001286104.2); c.286dup, p.Ala96fs (NM_001286105.2); c.352dup, p.Ala118fs (NM_001286109.2); c.424dup, p.Ala142fs (NM_001286110.2); c.586dupG (NM_001042432.1); short protein forms A172fs, A196fs, A142fs, A118fs, A96fs.
Identifiers: ClinVar variation 56286 (VCV000056286.2), dbSNP rs386833735, ClinGen allele CA263722.